The following is an entry in ClinVar:

NM_000518.5(HBB):c.315+1G>T

Genes: HBB (hemoglobin subunit beta; minus strand), LOC106099062 (HBB recombination region; plus strand), LOC107133510 (origin of replication at HBB; plus strand), LOC110006319 (beta-globin gene 3' regulatory region; plus strand). Cytogenetic location: 11p15.4.
Variant type: single nucleotide variant.
Coding change: c.315+1G>T on transcript NM_000518.5 (MANE Select); the canonical splice donor site of the intron after coding-DNA position 315, G replaced by T.
Molecular consequence: splice donor variant.
Genome position (GRCh38, 1-based): chr11:5,226,576, C>A on the plus strand (G>T on the coding strand, the complement: HBB is on the minus strand). VCF-style: chr11-5226576-C-A. GRCh37 (hg19) VCF-style: chr11-5247806-C-A.
Identifiers: ClinVar variation 619686 (VCV000619686.15), dbSNP rs33945777, ClinGen allele CA217113399.

ClinVar aggregate classification (germline): Pathogenic. Review status: criteria provided, multiple submitters, no conflicts (2 of 4 stars). 5 submissions from 5 submitters: Pathogenic (5). Last evaluated 2025-09-16.

Conditions:
beta Thalassemia (BTHAL). Also called: Cooley's anemia; Erythroblastic anemia; Mediterranean anemia. Identifiers: Orphanet 848, MedGen C0005283, MONDO:0019402. Disease mechanism: loss of function.

Allele frequency attached by ClinVar (database versions not stated): TOPMed 0.00001.

Submissions (5):

Natera, Inc.
Classification: Pathogenic for Beta thalassemia. Last evaluated: 2025-09-16. Review status: criteria provided, single submitter. Criteria: Natera Variant Classification Schema (03/2026). Collection method: clinical testing. Allele origin: germline.
Comment: The c.315+1G>T variant in HBB is a canonical splice donor site variant predicted to affect pre-mRNA splicing, which may result in an abnormal transcript and altered protein product. This variant is expected to result in nonsense mediated decay, truncation, or a dysfunctional protein product. This variant is rare in the general population with a frequency below the threshold expected for the associated phenotype(s). This variant has been observed in one or more individuals affected with the associated recessive disease, as either homozygous or compound heterozygous with a second variant (PMID: 20524821). Given the available evidence, this variant is classified as Pathogenic.

Quest Diagnostics Nichols Institute San Juan Capistrano
Classification: Pathogenic. Last evaluated: 2024-08-09. Review status: criteria provided, single submitter. Criteria: Quest Diagnostics criteria. Collection method: clinical testing. Allele origin: unknown.
Comment: The HBB c.315+1G>T variant (also known as IVS-II-1 (G>T)) disrupts a canonical splice-donor site and interferes with normal HBB mRNA splicing. The frequency of this variant in the general population, 0.0000066 (1/152150 chromosomes), is consistent with pathogenicity. In the published literature, the variant has been reported in individuals with beta-thalassemia (PMID: 3828533 (1987), PMID: 20524821 (2010)). Based on the available information, this variant is classified as pathogenic. Genetic counseling and testing of at-risk relatives are recommended.

ARUP Laboratories, Molecular Genetics and Genomics, ARUP Laboratories
Classification: Pathogenic. Last evaluated: 2021-07-10. Review status: criteria provided, single submitter. Criteria: ARUP Molecular Germline Variant Investigation Process 2021. Collection method: clinical testing. Allele origin: germline.
Comment: The HBB c.315+1G>T variant (rs33945777), also known as IVS II-1 (G>T), is reported in the literature in individuals affected with beta(0) thalassemia (see HbVar, Broquere 2010, Chehab 1987). This variant is reported in ClinVar (Variation ID: 619686). This variant is absent from the Genome Aggregation Database, indicating it is not a common polymorphism. This variant disrupts the canonical splice donor site of intron 2, which is likely to negatively impact gene function. Based on available information, this variant is considered to be pathogenic. References: Link to HbVar database for c.315+1G>T: Broquere C et al. Phenotypic expression and origin of the rare beta-thalassemia splice site mutation HBB:c.315 + 1G>T. Hemoglobin. 2010 Jun;34(3):322-6. Chehab FF et al. The molecular basis of beta-thalassemia in Lebanon: application to prenatal diagnosis. Blood. 1987 Apr;69(4):1141-5.

Genomic Research Center, Shahid Beheshti University of Medical Sciences
Classification: Pathogenic for Beta-thalassemia HBB/LCRB. Last evaluated: 2020-05-03. Review status: criteria provided, single submitter. Criteria: ACMG Guidelines, 2015. Collection method: clinical testing. Allele origin: unknown. Affected: no.

Women's Health and Genetics/Laboratory Corporation of America, LabCorp
Classification: Pathogenic for beta Thalassemia. Last evaluated: 2019-02-12. Review status: criteria provided, single submitter. Criteria: LabCorp Variant Classification Summary - May 2015. Collection method: clinical testing. Allele origin: germline.
Comment: Variant summary: HBB c.315+1G>T is located in a canonical splice-site and is predicted to affect mRNA splicing resulting in a significantly altered protein due to either exon skipping, shortening, or inclusion of intronic material. Several computational tools predict a significant impact on normal splicing: Four predict the variant abolishes a 5' splicing donor site. However, these predictions have yet to be confirmed by functional studies. The variant was absent in 276896 control chromosomes. c.315+1G>T has been reported in the literature in individuals affected with Beta Thalassemia. These data indicate that the variant is likely to be associated with disease. To our knowledge, no experimental evidence demonstrating an impact on protein function has been reported. No clinical diagnostic laboratories have submitted clinical-significance assessments for this variant to ClinVar after 2014. Based on the evidence outlined above, the variant was classified as pathogenic.

Literature cited by the submitters: PubMed 20524821 (cited by 3 submitters); PubMed 25525159 (cited by Quest Diagnostics Nichols Institute San Juan Capistrano); PubMed 3828533 (cited by Quest Diagnostics Nichols Institute San Juan Capistrano and Women's Health and Genetics/Laboratory Corporation of America, LabCorp).